The following is an entry in ClinVar:

NM_001031689.3(PLAA):c.395A>G (p.Asp132Gly)

Gene: PLAA (phospholipase A2 activating protein; minus strand). Cytogenetic location: 9p21.2.
Variant type: single nucleotide variant.
Coding change: c.395A>G on transcript NM_001031689.3 (MANE Select); coding-DNA position 395, A replaced by G.
Protein change: p.Asp132Gly; replaces aspartic acid 132 with glycine.
Molecular consequence: missense variant.
Genome position (GRCh38, 1-based): chr9:26,928,357, T>C on the plus strand (A>G on the coding strand, the complement: PLAA is on the minus strand). VCF-style: chr9-26928357-T-C. GRCh37 (hg19) VCF-style: chr9-26928355-T-C.
Other names: c.395A>G, p.Asp132Gly (NM_001321546.2); short protein forms D132G.
Identifiers: ClinVar variation 1920328 (VCV001920328.5), dbSNP rs2489210628, ClinGen allele CA373134215.
Genomic context (GRCh38, chr9:26,928,357, plus strand): 5'-AACTACTGTACCTGCAAGGTCATCATGCACTTGTCATTCAGCCAGACTTTAGCAGTGGTG[T>C]CCCATGAACCACTAAGTAATGTCCCAAATTTTCCAGATGATAGACTACAAACTAAGGAAA-3'
Protein context (NP_001026859.1, residues 122-142): KFGTLLSGSW[Asp132Gly]TTAKVWLNDK

ClinVar aggregate classification (germline): Uncertain significance (1 of 4 stars; one submission).

Submission:

Labcorp Genetics (formerly Invitae), Labcorp
Classification: Uncertain significance. Last evaluated: 2022-07-09. Review status: criteria provided, single submitter. Criteria: Invitae Variant Classification Sherloc (09022015). Collection method: clinical testing. Allele origin: germline.
Comment: This sequence change replaces aspartic acid, which is acidic and polar, with glycine, which is neutral and non-polar, at codon 132 of the PLAA protein (p.Asp132Gly). This variant is not present in population databases (gnomAD no frequency). This variant has not been reported in the literature in individuals affected with PLAA-related conditions. Algorithms developed to predict the effect of missense changes on protein structure and function (SIFT, PolyPhen-2, Align-GVGD) all suggest that this variant is likely to be disruptive. In summary, the available evidence is currently insufficient to determine the role of this variant in disease. Therefore, it has been classified as a Variant of Uncertain Significance.